The following is an entry in ClinVar:

NM_000059.4(BRCA2):c.5211T>A (p.Asp1737Glu)

Gene: BRCA2 (BRCA2 DNA repair associated; plus strand). Cytogenetic location: 13q13.1.
Variant type: single nucleotide variant.
Coding change: c.5211T>A on transcript NM_000059.4 (MANE Select); coding-DNA position 5211, T replaced by A.
Protein change: p.Asp1737Glu; replaces aspartic acid 1737 with glutamic acid.
Molecular consequence: missense variant.
Genome position (GRCh38, 1-based): chr13:32,339,566, T>A. VCF-style: chr13-32339566-T-A. GRCh37 (hg19) VCF-style: chr13-32913703-T-A.
Other names: short protein forms D1737E.
Identifiers: ClinVar variation 658805 (VCV000658805.13), dbSNP rs1593904769, ClinGen allele CA387784616.

ClinVar aggregate classification (germline): Conflicting classifications of pathogenicity. Review status: criteria provided, conflicting classifications (1 of 4 stars). 3 submissions from 3 submitters: Uncertain significance (2); Likely benign (1). Last evaluated 2025-11-19.

Conditions:
Hereditary cancer-predisposing syndrome. Also called: Hereditary neoplastic syndrome; Neoplastic Syndromes, Hereditary; Hereditary Cancer Syndrome; Tumor predisposition. Identifiers: Orphanet 140162, MedGen C0027672, MeSH D009386, MONDO:0015356.
Hereditary breast ovarian cancer syndrome. Also called: BRCA1- and BRCA2-Associated Hereditary Breast and Ovarian Cancer; Hereditary breast and ovarian cancer syndrome; Hereditary breast and ovarian cancer syndrome (HBOC); Hereditary breast and/or ovarian cancer syndrome; Breast and ovarian cancer; Hereditary breast and ovarian cancer. Identifiers: Orphanet 145, MedGen C0677776, MeSH D061325, MONDO:0003582. Disease mechanism: loss of function.

Submissions (3):

Ambry Genetics
Classification: Uncertain significance for Hereditary cancer-predisposing syndrome. Last evaluated: 2025-11-19. Review status: criteria provided, single submitter. Criteria: Ambry Variant Classification Scheme 2023. Collection method: clinical testing. Allele origin: germline.
Comment: The p.D1737E variant (also known as c.5211T>A), located in coding exon 10 of the BRCA2 gene, results from a T to A substitution at nucleotide position 5211. The aspartic acid at codon 1737 is replaced by glutamic acid, an amino acid with highly similar properties. This amino acid position is conserved. In addition, this alteration is predicted to be tolerated by in silico analysis. Based on the available evidence, the clinical significance of this variant remains unclear.

University of Washington Department of Laboratory Medicine, University of Washington
Classification: Likely benign for Hereditary cancer-predisposing syndrome. Last evaluated: 2023-03-23. Review status: criteria provided, single submitter. Criteria: Dines et al. (Genet Med. 2020). Collection method: curation. Allele origin: germline.
Comment: Missense variant in a coldspot region where missense variants are very unlikely to be pathogenic (PMID:31911673).

BRCA2 exon 11 coldspot. Reclassification based on statistical prior probability.

Labcorp Genetics (formerly Invitae), Labcorp
Classification: Uncertain significance for Hereditary breast ovarian cancer syndrome. Last evaluated: 2019-11-09. Review status: criteria provided, single submitter. Criteria: Invitae Variant Classification Sherloc (09022015). Collection method: clinical testing. Allele origin: germline.
Comment: This sequence change replaces aspartic acid with glutamic acid at codon 1737 of the BRCA2 protein (p.Asp1737Glu). The aspartic acid residue is moderately conserved and there is a small physicochemical difference between aspartic acid and glutamic acid. This variant is not present in population databases (ExAC no frequency). This variant has not been reported in the literature in individuals with BRCA2-related disease. Algorithms developed to predict the effect of missense changes on protein structure and function (SIFT, PolyPhen-2, Align-GVGD) all suggest that this variant is likely to be tolerated, but these predictions have not been confirmed by published functional studies and their clinical significance is uncertain. In summary, the available evidence is currently insufficient to determine the role of this variant in disease. Therefore, it has been classified as a Variant of Uncertain Significance.